The following is an entry in ClinVar:

NM_000051.4(ATM):c.3764dup (p.Leu1255fs)

Gene: ATM (ATM serine/threonine kinase; plus strand). Cytogenetic location: 11q22.3.
Variant type: Duplication.
Coding change: c.3764dup on transcript NM_000051.4 (MANE Select); coding-DNA position 3764, one base duplicated (T; older notation c.3764dupT).
Protein change: p.Leu1255fs; shifts the reading frame from leucine 1255.
Molecular consequence: frameshift variant.
Genome position (GRCh38, 1-based): chr11:108,284,244, T duplicated; the last of 4 consecutive T bases (chr11:108,284,241-108,284,244); duplicating any one gives the same sequence. VCF-style (leftmost placement, unchanged base first): chr11-108284240-G-GT. GRCh37 (hg19) VCF-style: chr11-108154967-G-GT.
Other names: c.3764dupT (NM_000051.3); c.3764dup, p.Leu1255fs (NM_001351834.2); short protein forms L1255fs.
Identifiers: ClinVar variation 422373 (VCV000422373.15), dbSNP rs1555093303, ClinGen allele CA16619167.

ClinVar aggregate classification (germline): Pathogenic/Likely pathogenic. Review status: criteria provided, multiple submitters, no conflicts (2 of 4 stars). 6 submissions from 6 submitters: Pathogenic (4); Likely pathogenic (2). Last evaluated 2024-01-23.

Conditions:
Ataxia-telangiectasia syndrome (AT). Also called: Ataxia-telangiectasia, complementation group D; Cerebello-oculocutaneous telangiectasia; Immunodeficiency with ataxia telangiectasia; ATAXIA-TELANGIECTASIA, COMPLEMENTATION GROUP A; ATAXIA-TELANGIECTASIA, FRESNO VARIANT; LOUIS-BAR SYNDROME. Identifiers: Orphanet 100, MedGen C0004135, MONDO:0008840, OMIM 208900.
Familial cancer of breast. Also called: hereditary breast carcinoma; Hereditary breast cancer; BREAST CANCER, FAMILIAL. Identifiers: Orphanet 227535, MedGen C0346153, MONDO:0016419, OMIM 114480. Disease mechanism: loss of function.
Hereditary cancer-predisposing syndrome. Also called: Hereditary neoplastic syndrome; Hereditary Cancer Syndrome; Neoplastic Syndromes, Hereditary; Tumor predisposition. Identifiers: Orphanet 140162, MedGen C0027672, MeSH D009386, MONDO:0015356.

Submissions (6):

Myriad Genetics, Inc.
Classification: Pathogenic for Familial cancer of breast. Last evaluated: 2024-01-23. Review status: criteria provided, single submitter. Criteria: Myriad Autosomal Dominant, Autosomal Recessive and X-Linked Classification Criteria (2023). Collection method: clinical testing. Allele origin: unknown.
Comment: This variant is considered pathogenic. This variant creates a frameshift predicted to result in premature protein truncation.

Labcorp Genetics (formerly Invitae), Labcorp
Classification: Pathogenic for Ataxia-telangiectasia syndrome. Last evaluated: 2023-12-30. Review status: criteria provided, single submitter. Criteria: Invitae Variant Classification Sherloc (09022015). Collection method: clinical testing. Allele origin: germline.
Comment: This sequence change creates a premature translational stop signal (p.Leu1255Phefs*8) in the ATM gene. It is expected to result in an absent or disrupted protein product. Loss-of-function variants in ATM are known to be pathogenic (PMID: 23807571, 25614872). This variant is not present in population databases (gnomAD no frequency). This variant has not been reported in the literature in individuals affected with ATM-related conditions. ClinVar contains an entry for this variant (Variation ID: 422373). For these reasons, this variant has been classified as Pathogenic.

Fulgent Genetics
Classification: Likely pathogenic for Familial cancer of breast; Ataxia-telangiectasia syndrome. Last evaluated: 2021-11-05. Review status: criteria provided, single submitter. Criteria: ACMG Guidelines, 2015. Collection method: clinical testing. Allele origin: unknown.

Ambry Genetics
Classification: Pathogenic for Hereditary cancer-predisposing syndrome. Last evaluated: 2020-06-09. Review status: criteria provided, single submitter. Criteria: Ambry Variant Classification Scheme 2023. Collection method: clinical testing. Allele origin: germline.
Comment: The c.3764dupT pathogenic mutation, located in coding exon 25 of the ATM gene, results from a duplication of T at nucleotide position 3764, causing a translational frameshift with a predicted alternate stop codon (p.L1255Ffs*8). This alteration is expected to result in loss of function by premature protein truncation or nonsense-mediated mRNA decay. As such, this alteration is interpreted as a disease-causing mutation.

Color Diagnostics, LLC DBA Color Health
Classification: Pathogenic for Hereditary cancer-predisposing syndrome. Last evaluated: 2020-01-15. Review status: criteria provided, single submitter. Criteria: ACMG Guidelines, 2015. Collection method: clinical testing. Allele origin: germline.
Comment: This variant inserts 1 nucleotide in exon 26 of the ATM gene, creating a frameshift and premature translation stop signal. This variant is expected to result in an absent or non-functional protein product. This variant has not been identified in the general population by the Genome Aggregation Database (gnomAD). Loss of ATM function is a known mechanism of disease. Based on the available evidence, this variant is classified as Pathogenic.

GeneDx
Classification: Likely pathogenic. Last evaluated: 2016-09-29. Review status: criteria provided, single submitter. Criteria: GeneDx Variant Classification (06012015). Collection method: clinical testing. Allele origin: germline. Affected: yes.
Comment: This duplication of one nucleotide in ATM is denoted c.3764dupT at the cDNA level and p.Leu1255PhefsX8 (L1255FfsX8) at the protein level. The normal sequence, with the base that is duplicated in braces, is GTTT[T]GATT. The duplication causes a frameshift which changes a Leucine to a Phenylalanine at codon 1255, and creates a premature stop codon at position 8 of the new reading frame. Although this variant has not, to our knowledge, been reported in the literature, it is predicted to cause loss of normal protein function through either protein truncation or nonsense-mediated mRNA decay. Based on the currently available information, we consider this duplication to be a likely pathogenic variant.

Literature cited by the submitters: PubMed 23807571 (cited by Labcorp Genetics (formerly Invitae), Labcorp); PubMed 25614872 (cited by Labcorp Genetics (formerly Invitae), Labcorp).